The following is an entry in ClinVar:

ClinVar aggregate classification (germline): Pathogenic (1 of 4 stars; one submission).

Conditions:
Osteogenesis imperfecta type 16. Also called: Osteogenesis imperfecta, type xvi; OI, TYPE XVI. Identifiers: Orphanet 666, MedGen C4015610, MONDO:0014544, OMIM 616229.

Submission:

3billion
Classification: Pathogenic for Osteogenesis imperfecta type 16. Last evaluated: 2022-05-22. Review status: criteria provided, single submitter. Criteria: ACMG Guidelines, 2015. Collection method: clinical testing. Allele origin: germline. Affected: yes. Observed: 1 homozygote.
Comment: The variant is not observed in the gnomAD v2.1.1 dataset. Stop-gained (nonsense): predicted to result in a loss or disruption of normal protein function through nonsense-mediated decay (NMD) or protein truncation. Multiple pathogenic variants are reported downstream of the variant. Patient's phenotype is considered compatible with CREB3L1 related disorder (3billion dataset). Therefore, this variant is classified as pathogenic according to the recommendation of ACMG/AMP guideline.

NM_052854.4(CREB3L1):c.1186G>T (p.Glu396Ter)

Gene: CREB3L1 (cAMP responsive element binding protein 3 like 1; plus strand). Cytogenetic location: 11p11.2.
Variant type: single nucleotide variant.
Coding change: c.1186G>T on transcript NM_052854.4 (MANE Select); coding-DNA position 1186, G replaced by T.
Protein change: p.Glu396Ter; replaces glutamic acid 396 with a stop codon.
Molecular consequence: nonsense.
Genome position (GRCh38, 1-based): chr11:46,317,415, G>T. VCF-style: chr11-46317415-G-T. GRCh37 (hg19) VCF-style: chr11-46338966-G-T.
Other names: short protein forms E396*.
Identifiers: ClinVar variation 1687286 (VCV001687286.1), dbSNP rs747678376, ClinGen allele CA380224684.
Genomic context (GRCh38, chr11:46,317,415, plus strand): 5'-TACCAGGTGGCAGCCTTGTGCTTTGTTCTGGTGCTGGGCTCCCTCGTGCCCTGCCTTCCC[G>T]AGTTCTCCTCCGGCTCCCAGACTGTGAAGGAAGACCCCCTGGCCGCAGACGGCGTCTACA-3'